The following is an entry in ClinVar:

NM_032638.5(GATA2):c.238A>G (p.Thr80Ala)

Gene: GATA2 (GATA binding protein 2; minus strand). Cytogenetic location: 3q21.3.
Variant type: single nucleotide variant.
Coding change: c.238A>G on transcript NM_032638.5 (MANE Select); coding-DNA position 238, A replaced by G.
Protein change: p.Thr80Ala; replaces threonine 80 with alanine.
Molecular consequence: missense variant.
Genome position (GRCh38, 1-based): chr3:128,486,360, T>C on the plus strand (A>G on the coding strand, the complement: GATA2 is on the minus strand). VCF-style: chr3-128486360-T-C. GRCh37 (hg19) VCF-style: chr3-128205203-T-C.
Other names: c.238A>G, p.Thr80Ala (NM_001145661.2, NM_001145662.1); short protein forms T80A.
Identifiers: ClinVar variation 2172271 (VCV002172271.5), dbSNP rs1274861441, ClinGen allele CA354407940.

ClinVar aggregate classification (germline): Uncertain significance. Review status: criteria provided, multiple submitters, no conflicts (2 of 4 stars). 2 submissions from 2 submitters: Uncertain significance (2). Last evaluated 2024-02-04.

Conditions:
Deafness-lymphedema-leukemia syndrome. Also called: Lymphedema, primary, with myelodysplasia; Emberger syndrome. Identifiers: Orphanet 3226, MedGen C3279664, MONDO:0013540, OMIM 614038.
Monocytopenia with susceptibility to infections. Also called: MONOCYTOPENIA AND MYCOBACTERIAL INFECTION SYNDROME; MONOCYTOPENIA WITH SUSCEPTIBILITY TO MYCOBACTERIAL, FUNGAL, AND PAPILLOMAVIRUS INFECTIONS AND MYELODYSPLASIA; COMBINED IMMUNODEFICIENCY WITH SUSCEPTIBILITY TO MYCOBACTERIAL, VIRAL, AND FUNGAL INFECTIONS; Dendritic cell, monocyte, B lymphocyte, and natural killer lymphocyte deficiency; IMMUNODEFICIENCY 21; GATA2 DEFICIENCY. Identifiers: Orphanet 228423, MedGen C3280030, MONDO:0013607, OMIM 614172.
Acute myeloid leukemia (AML). Also called: Acute myeloid leukemia, adult; AML adult; Acute non-lymphocytic leukemia; Acute granulocytic leukemia; Leukemia, acute myeloid, somatic; Leukemia, acute myelogenous, somatic. Identifiers: Orphanet 519, MedGen C0023467, MeSH D015470, MONDO:0018874, OMIM 601626, HP:0004808. Disease mechanism: Constitutively activated FLT3.

Allele frequency attached by ClinVar (database versions not stated): gnomAD exomes below 0.00001; TOPMed below 0.00001; gnomAD 0.00001.

Submissions (2):

Labcorp Genetics (formerly Invitae), Labcorp
Classification: Uncertain significance for Monocytopenia with susceptibility to infections; Deafness-lymphedema-leukemia syndrome. Last evaluated: 2024-02-04. Review status: criteria provided, single submitter. Criteria: Invitae Variant Classification Sherloc (09022015). Collection method: clinical testing. Allele origin: germline.
Comment: This sequence change replaces threonine, which is neutral and polar, with alanine, which is neutral and non-polar, at codon 80 of the GATA2 protein (p.Thr80Ala). This variant is not present in population databases (gnomAD no frequency). This variant has not been reported in the literature in individuals affected with GATA2-related conditions. ClinVar contains an entry for this variant (Variation ID: 2172271). Advanced modeling of protein sequence and biophysical properties (such as structural, functional, and spatial information, amino acid conservation, physicochemical variation, residue mobility, and thermodynamic stability) performed at Invitae indicates that this missense variant is not expected to disrupt GATA2 protein function with a negative predictive value of 95%. In summary, the available evidence is currently insufficient to determine the role of this variant in disease. Therefore, it has been classified as a Variant of Uncertain Significance.

Baylor Genetics
Classification: Uncertain significance for Acute myeloid leukemia. Last evaluated: 2023-07-29. Review status: criteria provided, single submitter. Criteria: ACMG Guidelines, 2015. Collection method: clinical testing. Allele origin: unknown.